The following is an entry in ClinVar:

ClinVar aggregate classification (germline): Pathogenic/Likely pathogenic. Review status: criteria provided, multiple submitters, no conflicts (2 of 4 stars). 2 submissions from 2 submitters: Pathogenic (1); Likely pathogenic (1). Last evaluated 2024-08-16.

Conditions:
CFTR-related disorder (CFTR-RD). Also called: CFTR-related disorders; CFTR-related condition. Identifiers: MedGen C5924204, MONDO:7770004.
Cystic fibrosis (CF). Also called: MUCOVISCIDOSIS. Identifiers: Orphanet 586, MedGen C0010674, MONDO:0009061, OMIM 219700. Disease mechanism: loss of function.

Submissions (2):

Natera, Inc.
Classification: Likely pathogenic for CFTR-related disorders. Last evaluated: 2024-08-16. Review status: criteria provided, single submitter. Criteria: Natera Variant Classification Schema (03/2026). Collection method: clinical testing. Allele origin: germline.
Comment: The c.2672delA variant in CFTR is a frameshift variant predicted to shift the reading frame beginning at codon 891 and leads to a stop codon 15 codons downstream. This variant is expected to result in nonsense mediated decay, truncation, or a dysfunctional protein product. This variant is rare in the general population with a frequency below the threshold expected for the associated phenotype(s). Given the available evidence, this variant is classified as Likely Pathogenic.

Women's Health and Genetics/Laboratory Corporation of America, LabCorp
Classification: Pathogenic for Cystic fibrosis. Last evaluated: 2024-08-16. Review status: criteria provided, single submitter. Criteria: LabCorp Variant Classification Summary - May 2015. Collection method: clinical testing. Allele origin: germline.
Comment: Variant summary: CFTR c.2672delA (p.Asp891AlafsX15) results in a premature termination codon, predicted to cause a truncation of the encoded protein or absence of the protein due to nonsense mediated decay, which are commonly known mechanisms for disease. The variant was absent in 251196 control chromosomes. c.2672delA has been reported in the literature in individuals affected with Cystic Fibrosis (Ruiz-Cabezas_2019). These data indicate that the variant is likely to be associated with disease. To our knowledge, no experimental evidence demonstrating an impact on protein function has been reported. The following publication have been ascertained in the context of this evaluation (PMID: 30763667). No submitters have cited clinical-significance assessments for this variant to ClinVar. Based on the evidence outlined above, the variant was classified as pathogenic.

Literature cited by the submitters: PubMed 30763667 (cited by Women's Health and Genetics/Laboratory Corporation of America, LabCorp).

NM_000492.4(CFTR):c.2672del (p.Asp891fs)

Gene: CFTR (CF transmembrane conductance regulator; plus strand). Cytogenetic location: 7q31.2.
Variant type: Deletion.
Coding change: c.2672del on transcript NM_000492.4 (MANE Select); coding-DNA position 2672, one base deleted (A; older notation c.2672delA).
Protein change: p.Asp891fs; shifts the reading frame from aspartic acid 891.
Molecular consequence: frameshift variant.
Genome position (GRCh38, 1-based): chr7:117,603,546, A deleted. VCF-style (leftmost placement, unchanged base first): chr7-117603545-GA-G. GRCh37 (hg19) VCF-style: chr7-117243599-GA-G.
Other names: c.2672delA (NM_000492.4); short protein forms D891fs.
Identifiers: ClinVar variation 3366763 (VCV003366763.2).